The following is an entry in ClinVar:

NM_014855.3(AP5Z1):c.805C>T (p.Gln269Ter)

Gene: AP5Z1 (adaptor related protein complex 5 subunit zeta 1; plus strand). Cytogenetic location: 7p22.1.
Variant type: single nucleotide variant.
Coding change: c.805C>T on transcript NM_014855.3 (MANE Select); coding-DNA position 805, C replaced by T.
Protein change: p.Gln269Ter; replaces glutamine 269 with a stop codon.
Molecular consequence: nonsense. On other transcripts: non-coding transcript variant (1).
Genome position (GRCh38, 1-based): chr7:4,784,922, C>T. VCF-style: chr7-4784922-C-T. GRCh37 (hg19) VCF-style: chr7-4824553-C-T.
Other names: NC_000007.13:g.4824553C>T; NP_055670.1:p.(Gln269Ter); c.337C>T, p.Gln113Ter (NM_001364858.1); short protein forms Q113*, Q269*.
Identifiers: ClinVar variation 3777713 (VCV003777713.2).

ClinVar aggregate classification (germline): Pathogenic/Likely pathogenic. Review status: criteria provided, multiple submitters, no conflicts (2 of 4 stars). 2 submissions from 2 submitters: Pathogenic (1); Likely pathogenic (1). Last evaluated 2025-10-05.

Conditions:
Hereditary spastic paraplegia 48. Also called: Spastic paraplegia 48; SPASTIC PARAPLEGIA 48, AUTOSOMAL RECESSIVE. Identifiers: Orphanet 306511, MedGen C3150901, MONDO:0013342, OMIM 613647.
Macular dystrophy with or without extraocular features.

gnomAD v4.1: 1 of 1,611,722 alleles (0.000062%); highest among the groups gnomAD compares: Non-Finnish European, 0.000085%; no homozygotes.

Submissions (2):

Labcorp Genetics (formerly Invitae), Labcorp
Classification: Pathogenic for Hereditary spastic paraplegia 48. Last evaluated: 2025-10-05. Review status: criteria provided, single submitter. Criteria: Invitae Variant Classification Sherloc (09022015). Collection method: clinical testing. Allele origin: germline.
Comment: This sequence change creates a premature translational stop signal (p.Gln269*) in the AP5Z1 gene. It is expected to result in an absent or disrupted protein product. Loss-of-function variants in AP5Z1 are known to be pathogenic (PMID: 20613862, 27606357). This variant is not present in population databases (gnomAD no frequency). This premature translational stop signal has been observed in individual(s) with macular dystrophy (PMID: 40081374). ClinVar contains an entry for this variant (Variation ID: 3777713). For these reasons, this variant has been classified as Pathogenic.

Ophthalmic Genetics Group, Institute of Molecular and Clinical Ophthalmology Basel
Classification: Likely pathogenic for Macular dystrophy with or without extraocular features. Last evaluated: 2024-12-17. Review status: criteria provided, single submitter. Criteria: ACMG Guidelines, 2015. Collection method: research. Allele origin: germline. Affected: yes. Observed: 1 variant allele.
Comment: This stopgain change is introducing a premature termination codon at amino acid position 269, and likely results in a nonsense-mediated mRNA decay. This variant is not present in gnomAD v2.1.1. Therefore, it was classified as Likely pathogenic based on ACMG criteria: PVS1_vstrong, PM2_mod.

Literature cited by the submitters: PubMed 20613862 (cited by Labcorp Genetics (formerly Invitae), Labcorp); PubMed 27606357 (cited by Labcorp Genetics (formerly Invitae), Labcorp); PubMed 40081374 (cited by Labcorp Genetics (formerly Invitae), Labcorp and Ophthalmic Genetics Group, Institute of Molecular and Clinical Ophthalmology Basel).